The following is an entry in ClinVar:

NM_053025.4(MYLK):c.2974C>G (p.Pro992Ala)

Gene: MYLK (myosin light chain kinase; minus strand). Cytogenetic location: 3q21.1.
Variant type: single nucleotide variant.
Coding change: c.2974C>G on transcript NM_053025.4 (MANE Select); coding-DNA position 2974, C replaced by G.
Protein change: p.Pro992Ala; replaces proline 992 with alanine.
Molecular consequence: missense variant.
Genome position (GRCh38, 1-based): chr3:123,700,494, G>C on the plus strand (C>G on the coding strand, the complement: MYLK is on the minus strand). VCF-style: chr3-123700494-G-C. GRCh37 (hg19) VCF-style: chr3-123419341-G-C.
Other names: c.2446C>G, p.Pro816Ala (NM_001321309.2); c.2767C>G, p.Pro923Ala (NM_053026.4, NM_053028.4); c.2974C>G, p.Pro992Ala (NM_053027.4); c.2974C>G (NM_053025.3); short protein forms P923A, P816A, P992A.
Identifiers: ClinVar variation 1506382 (VCV001506382.9), dbSNP rs1391074220, ClinGen allele CA354230481.

ClinVar aggregate classification (germline): Uncertain significance. Review status: criteria provided, multiple submitters, no conflicts (2 of 4 stars). 2 submissions from 2 submitters: Uncertain significance (2). Last evaluated 2026-06-09.

Conditions:
Familial thoracic aortic aneurysm and aortic dissection (TAAD). Also called: Thoracic aortic aneurysms and dissections. Identifiers: Orphanet 91387, MedGen C4707243, MONDO:0019625.
Aortic aneurysm, familial thoracic 7 (AAT7). Also called: AORTIC DISSECTION, FAMILIAL, WITH OR WITHOUT AORTIC ANEURYSM. Identifiers: MedGen C3151077, MONDO:0013418, OMIM 613780.

Submissions (2):

Ambry Genetics
Classification: Uncertain significance for Familial thoracic aortic aneurysm and aortic dissection. Last evaluated: 2026-06-09. Review status: criteria provided, single submitter. Criteria: Ambry Variant Classification Scheme 2023. Collection method: clinical testing. Allele origin: germline.
Comment: The p.P992A variant (also known as c.2974C>G), located in coding exon 15 of the MYLK gene, results from a C to G substitution at nucleotide position 2974. The proline at codon 992 is replaced by alanine, an amino acid with highly similar properties. This amino acid position is conserved. In addition, this alteration is predicted to be tolerated by in silico analysis. Based on the available evidence, the clinical significance of this variant remains unclear.

Labcorp Genetics (formerly Invitae), Labcorp
Classification: Uncertain significance for Aortic aneurysm, familial thoracic 7. Last evaluated: 2021-05-17. Review status: criteria provided, single submitter. Criteria: Invitae Variant Classification Sherloc (09022015). Collection method: clinical testing. Allele origin: germline.
Comment: In summary, the available evidence is currently insufficient to determine the role of this variant in disease. Therefore, it has been classified as a Variant of Uncertain Significance. Advanced modeling of protein sequence and biophysical properties (such as structural, functional, and spatial information, amino acid conservation, physicochemical variation, residue mobility, and thermodynamic stability) performed at Invitae indicates that this missense variant is not expected to disrupt MYLK protein function. This variant has not been reported in the literature in individuals with MYLK-related conditions. This variant is not present in population databases (ExAC no frequency). This sequence change replaces proline with alanine at codon 992 of the MYLK protein (p.Pro992Ala). The proline residue is highly conserved and there is a small physicochemical difference between proline and alanine.